The following is an entry in ClinVar:

ClinVar aggregate classification (germline): Pathogenic (1 of 4 stars; one submission).

Conditions:
Cardiovascular phenotype. Identifiers: MedGen CN230736.

Submission:

Ambry Genetics
Classification: Pathogenic for Cardiovascular phenotype. Last evaluated: 2021-07-27. Review status: criteria provided, single submitter. Criteria: Ambry Variant Classification Scheme 2023. Collection method: clinical testing. Allele origin: germline.
Comment: The c.674dupC pathogenic mutation, located in coding exon 5 of the ENG gene, results from a duplication of C at nucleotide position 674, causing a translational frameshift with a predicted alternate stop codon (p.H227Pfs*107). This alteration is expected to result in loss of function by premature protein truncation or nonsense-mediated mRNA decay. As such, this alteration is interpreted as a disease-causing mutation.

NM_001114753.3(ENG):c.674dup (p.His227fs)

Gene: ENG (endoglin; minus strand). Cytogenetic location: 9q34.11.
Variant type: Duplication.
Coding change: c.674dup on transcript NM_001114753.3 (MANE Select); coding-DNA position 674, one base duplicated (C; older notation c.674dupC).
Protein change: p.His227fs; shifts the reading frame from histidine 227.
Molecular consequence: frameshift variant.
Genome position (GRCh38, 1-based): chr9:127,825,710, G duplicated on the plus strand (C on the coding strand, the reverse complement: ENG is on the minus strand); the first of 2 consecutive G bases (chr9:127,825,710-127,825,711); duplicating either gives the same sequence. VCF-style (leftmost placement, unchanged base first): chr9-127825709-C-CG. GRCh37 (hg19) VCF-style: chr9-130587988-C-CG.
Other names: c.673dup, p.His227Profs (NM_000118.4, NM_001406715.1); c.128dup, p.His45fs (NM_001278138.2); short protein forms H45fs, H227fs.
Identifiers: ClinVar variation 1755231 (VCV001755231.2), dbSNP rs1830596596, ClinGen allele CA2580079679.
Genomic context (GRCh38, chr9:127,825,709, plus strand): 5'-TCTCTCGGGGTGGGGACTAGTGTCAGGGGCGGGGCGAGAGCCATACCCGGCCGAGTGGCC[C>CG]GGCAGGACCCTCAGGATGTGCGCCTCCTTGTGGCCGGCCACGCCTTCCAAGTGGCAGCCC-3'